The following is an entry in ClinVar:

ClinVar aggregate classification (germline): Uncertain significance (1 of 4 stars; one submission).

Submission:

Dasa
Classification: Uncertain significance. Last evaluated: 2026-06-14. Review status: criteria provided, single submitter. Criteria: DASA Assertion Criteria. Collection method: clinical testing. Allele origin: germline.
Comment: NM_001286.5(CLCN6):c.302T>G (p.Phe101Cys) is a missense variant that results in the substitution of phenylalanine with cysteine. This variant is rare in population databases. Computational prediction algorithms are consistent with a deleterious effect. The currently available literature and clinical evidence are not sufficient to establish a definitive association between this variant and the reported condition. Therefore, this variant is classified as a variant of uncertain significance.

NM_001286.5(CLCN6):c.302T>G (p.Phe101Cys)

Gene: CLCN6 (Cl-/H+ antiporter 6; plus strand). Cytogenetic location: 1p36.22.
Variant type: single nucleotide variant.
Coding change: c.302T>G on transcript NM_001286.5 (MANE Select); coding-DNA position 302, T replaced by G.
Protein change: p.Phe101Cys; replaces phenylalanine 101 with cysteine.
Molecular consequence: missense variant. On other transcripts: non-coding transcript variant (1).
Genome position (GRCh38, 1-based): chr1:11,819,510, T>G. VCF-style: chr1-11819510-T-G. GRCh37 (hg19) VCF-style: chr1-11879567-T-G.
Other names: c.236T>G, p.Phe79Cys (NM_001256959.2); short protein forms F101C, F79C.
Identifiers: ClinVar variation 5020382 (VCV005020382.1).
Genomic context (GRCh38, chr1:11,819,510, plus strand): 5'-GAAATAAGGCTGTGTGACAGATCTCTTGCTCTTCACAGGTGGGTCTCTTTGTGGACTTTT[T>G]TGTGCGACTCTTCACCCAACTCAAGTTCGGAGTGGTACAGACATGTATCCTTTTCACGGT-3'
Protein context (NP_001277.2, residues 91-111): TGLVGLFVDF[Phe101Cys]VRLFTQLKFG